The following is an entry in ClinVar:

ClinVar aggregate classification (germline): Uncertain significance (1 of 4 stars; one submission).

Allele frequency attached by ClinVar (database versions not stated): gnomAD 0.00001; gnomAD exomes 0.00001.

Submission:

Labcorp Genetics (formerly Invitae), Labcorp
Classification: Uncertain significance. Last evaluated: 2022-01-03. Review status: criteria provided, single submitter. Criteria: Invitae Variant Classification Sherloc (09022015). Collection method: clinical testing. Allele origin: germline.
Comment: This sequence change replaces proline, which is neutral and non-polar, with leucine, which is neutral and non-polar, at codon 834 of the PCLO protein (p.Pro834Leu). This variant is present in population databases (no rsID available, gnomAD 0.006%). This variant has not been reported in the literature in individuals affected with PCLO-related conditions. Algorithms developed to predict the effect of missense changes on protein structure and function are either unavailable or do not agree on the potential impact of this missense change (SIFT: "Tolerated"; PolyPhen-2: "Not Available"; Align-GVGD: "Class C0"). In summary, the available evidence is currently insufficient to determine the role of this variant in disease. Therefore, it has been classified as a Variant of Uncertain Significance.

NM_033026.6(PCLO):c.2501C>T (p.Pro834Leu)

Gene: PCLO (piccolo presynaptic cytomatrix protein; minus strand). Cytogenetic location: 7q21.11.
Variant type: single nucleotide variant.
Coding change: c.2501C>T on transcript NM_033026.6 (MANE Select); coding-DNA position 2501, C replaced by T.
Protein change: p.Pro834Leu; replaces proline 834 with leucine.
Molecular consequence: missense variant.
Genome position (GRCh38, 1-based): chr7:83,135,049, G>A on the plus strand (C>T on the coding strand, the complement: PCLO is on the minus strand). VCF-style: chr7-83135049-G-A. GRCh37 (hg19) VCF-style: chr7-82764365-G-A.
Other names: c.2501C>T, p.Pro834Leu (NM_014510.3); short protein forms P834L.
Identifiers: ClinVar variation 2416273 (VCV002416273.3), dbSNP rs979682431, ClinGen allele CA161172524.